The following is an entry in ClinVar:

NM_005529.7(HSPG2):c.8329C>T (p.Arg2777Trp)

Gene: HSPG2 (heparan sulfate proteoglycan 2; minus strand). Cytogenetic location: 1p36.12.
Variant type: single nucleotide variant.
Coding change: c.8329C>T on transcript NM_005529.7 (MANE Select); coding-DNA position 8329, C replaced by T.
Protein change: p.Arg2777Trp; replaces arginine 2777 with tryptophan.
Molecular consequence: missense variant.
Genome position (GRCh38, 1-based): chr1:21,846,243, G>A on the plus strand (C>T on the coding strand, the complement: HSPG2 is on the minus strand). VCF-style: chr1-21846243-G-A. GRCh37 (hg19) VCF-style: chr1-22172736-G-A.
Other names: c.8332C>T, p.Arg2778Trp (NM_001291860.2); short protein forms R2777W, R2778W.
Identifiers: ClinVar variation 3107441 (VCV003107441.3), dbSNP rs759622393, ClinGen allele CA670814.

ClinVar aggregate classification (germline): Uncertain significance. Review status: criteria provided, multiple submitters, no conflicts (2 of 4 stars). 2 submissions from 2 submitters: Uncertain significance (2). Last evaluated 2025-08-03.

Conditions:
Inborn genetic diseases. Identifiers: MedGen C0950123, MeSH D030342.

Allele frequency attached by ClinVar (database versions not stated): gnomAD 0.00001; TOPMed 0.00004; gnomAD exomes 0.00001; ExAC 0.00006.
gnomAD v4.1: 23 of 1,612,928 alleles (0.0014%); highest among the groups gnomAD compares: East Asian, 0.022%; 1 homozygote.

Submissions (2):

Labcorp Genetics (formerly Invitae), Labcorp
Classification: Uncertain significance. Last evaluated: 2025-08-03. Review status: criteria provided, single submitter. Criteria: Invitae Variant Classification Sherloc (09022015). Collection method: clinical testing. Allele origin: germline.
Comment: This sequence change replaces arginine, which is basic and polar, with tryptophan, which is neutral and slightly polar, at codon 2777 of the HSPG2 protein (p.Arg2777Trp). This variant is present in population databases (rs759622393, gnomAD 0.07%). This variant has not been reported in the literature in individuals affected with HSPG2-related conditions. ClinVar contains an entry for this variant (Variation ID: 3107441). An algorithm developed to predict the effect of missense changes on protein structure and function outputs the following: PolyPhen-2: "Benign". The tryptophan amino acid residue is found in multiple mammalian species, which suggests that this missense change does not adversely affect protein function. In summary, the available evidence is currently insufficient to determine the role of this variant in disease. Therefore, it has been classified as a Variant of Uncertain Significance.

Ambry Genetics
Classification: Uncertain significance for Inborn genetic diseases. Last evaluated: 2021-08-02. Review status: criteria provided, single submitter. Criteria: Ambry Variant Classification Scheme 2023. Collection method: clinical testing. Allele origin: germline.